The following is an entry in ClinVar:

NM_001385641.1(SAMD11):c.2321T>G (p.Val774Gly)

Gene: SAMD11 (sterile alpha motif domain containing 11; plus strand). Cytogenetic location: 1p36.33.
Variant type: single nucleotide variant.
Coding change: c.2321T>G on transcript NM_001385641.1 (MANE Select); coding-DNA position 2321, T replaced by G.
Protein change: p.Val774Gly; replaces valine 774 with glycine.
Molecular consequence: missense variant.
Genome position (GRCh38, 1-based): chr1:943,939, T>G. VCF-style: chr1-943939-T-G. GRCh37 (hg19) VCF-style: chr1-879319-T-G.
Other names: c.2324T>G, p.Val775Gly (NM_001385640.1); c.1832T>G, p.Val611Gly (NM_152486.4); short protein forms V611G, V774G, V775G.
Identifiers: ClinVar variation 1957678 (VCV001957678.6), dbSNP rs759224992, ClinGen allele CA337817659.

ClinVar aggregate classification (germline): Uncertain significance. Review status: criteria provided, multiple submitters, no conflicts (2 of 4 stars). 2 submissions from 2 submitters: Uncertain significance (2). Last evaluated 2022-03-20.

gnomAD v4.1: 2 of 1,612,658 alleles (0.00012%); highest among the groups gnomAD compares: Admixed American, 0.0017%; no homozygotes.

Submissions (2):

Labcorp Genetics (formerly Invitae), Labcorp
Classification: Uncertain significance. Last evaluated: 2022-03-20. Review status: criteria provided, single submitter. Criteria: Invitae Variant Classification Sherloc (09022015). Collection method: clinical testing. Allele origin: germline.
Comment: In summary, the available evidence is currently insufficient to determine the role of this variant in disease. Therefore, it has been classified as a Variant of Uncertain Significance. Algorithms developed to predict the effect of missense changes on protein structure and function are either unavailable or do not agree on the potential impact of this missense change (SIFT: "Deleterious"; PolyPhen-2: "Benign"; Align-GVGD: "Class C0"). This variant has not been reported in the literature in individuals affected with SAMD11-related conditions. This variant is not present in population databases (gnomAD no frequency). This sequence change replaces valine, which is neutral and non-polar, with glycine, which is neutral and non-polar, at codon 611 of the SAMD11 protein (p.Val611Gly).

Blueprint Genetics
Classification: Uncertain significance. Last evaluated: 2018-11-30. Review status: criteria provided, single submitter. Criteria: ACMG Guidelines, 2015. Collection method: clinical testing. Allele origin: germline.